The following is an entry in ClinVar:

NM_006565.4(CTCF):c.1622A>T (p.His541Leu)

Gene: CTCF (CCCTC-binding factor; plus strand). Cytogenetic location: 16q22.1.
Variant type: single nucleotide variant.
Coding change: c.1622A>T on transcript NM_006565.4 (MANE Select); coding-DNA position 1622, A replaced by T.
Protein change: p.His541Leu; replaces histidine 541 with leucine.
Molecular consequence: missense variant.
Genome position (GRCh38, 1-based): chr16:67,628,473, A>T. VCF-style: chr16-67628473-A-T. GRCh37 (hg19) VCF-style: chr16-67662376-A-T.
Other names: c.638A>T, p.His213Leu (NM_001191022.2); c.1622A>T, p.His541Leu (NM_001363916.2); short protein forms H213L, H541L.
Identifiers: ClinVar variation 1803701 (VCV001803701.3), dbSNP rs2543489367, ClinGen allele CA396320611.

ClinVar aggregate classification (germline): Uncertain significance (1 of 4 stars; one submission).

Conditions:
CTCF-related syndromic intellectual disability.

Submission:

Illumina Laboratory Services, Illumina
Classification: Uncertain significance for CTCF-related syndromic intellectual disability. Last evaluated: 2022-04-28. Review status: criteria provided, single submitter. Criteria: ICSLVariantClassificationCriteria RUGD 01 April 2020. Collection method: clinical testing. Allele origin: unknown.
Comment: The CTCF c.1622A>T (p.His541Leu) missense variant results in the substitution of histidine at amino acid position 541 with leucine. To our knowledge, this variant has not been reported in the peer-reviewed literature. This variant is not found in version 2.1.1 or version 3.1.2 of the Genome Aggregation Database. Multiple lines of computational evidence suggest the variant may have a deleterious effect on the gene or gene product. Based on the available evidence, the c.1622A>T (p.His541Leu) variant is classified as a variant of uncertain significance for CTCF-related syndromic intellectual disability.